The following is an entry in ClinVar:

ClinVar aggregate classification (germline): Uncertain significance (1 of 4 stars; one submission).

Conditions:
Cowden syndrome 6 (CWS6). Identifiers: Orphanet 201, MedGen C3554519, MONDO:0014048, OMIM 615109.

Submission:

Labcorp Genetics (formerly Invitae), Labcorp
Classification: Uncertain significance for Cowden syndrome 6. Last evaluated: 2022-11-16. Review status: criteria provided, single submitter. Criteria: Invitae Variant Classification Sherloc (09022015). Collection method: clinical testing. Allele origin: germline.
Comment: In summary, the available evidence is currently insufficient to determine the role of this variant in disease. Therefore, it has been classified as a Variant of Uncertain Significance. Variants that disrupt the consensus splice site are a relatively common cause of aberrant splicing (PMID: 17576681, 9536098). Algorithms developed to predict the effect of sequence changes on RNA splicing suggest that this variant is not likely to affect RNA splicing. This variant has not been reported in the literature in individuals affected with AKT1-related conditions. This variant is not present in population databases (gnomAD no frequency). This sequence change falls in intron 10 of the AKT1 gene. It does not directly change the encoded amino acid sequence of the AKT1 protein. It affects a nucleotide within the consensus splice site.

Literature cited by the submitters: PubMed 17576681; PubMed 9536098.

NM_001382430.1(AKT1):c.957+3G>C

Gene: AKT1 (AKT serine/threonine kinase 1; minus strand). Cytogenetic location: 14q32.33.
Variant type: single nucleotide variant.
Coding change: c.957+3G>C on transcript NM_001382430.1 (MANE Select); 3 bases into the intron after coding-DNA position 957, G replaced by C.
Molecular consequence: intron variant.
Genome position (GRCh38, 1-based): chr14:104,773,248, C>G on the plus strand (G>C on the coding strand, the complement: AKT1 is on the minus strand). VCF-style: chr14-104773248-C-G. GRCh37 (hg19) VCF-style: chr14-105239585-C-G.
Other names: c.957+3G>C (NM_001014431.2, NM_001014432.2, NM_001382433.1 and 3 more transcripts).
Identifiers: ClinVar variation 2885452 (VCV002885452.3), dbSNP rs1219173005, ClinGen allele CA2739278537.
Genomic context (GRCh38, chr14:104,773,248, plus strand): 5'-GCATTGCGTGTGCTCAGGACGTGGGGACGCAGCAACGCGTATGCACGCAGGTGGGGCGCA[C>G]ACCTCGGGGGCCAGGTACTCAGGTGTGCCGCAAAAGGTCTTCATGGTGGCACCGTCCTTG-3'